The following is an entry in ClinVar:

NM_014780.5(CUL7):c.974G>A (p.Arg325Gln)

Gene: CUL7 (cullin 7; minus strand). Cytogenetic location: 6p21.1.
Variant type: single nucleotide variant.
Coding change: c.974G>A on transcript NM_014780.5 (MANE Select); coding-DNA position 974, G replaced by A.
Protein change: p.Arg325Gln; replaces arginine 325 with glutamine.
Molecular consequence: missense variant.
Genome position (GRCh38, 1-based): chr6:43,051,227, C>T on the plus strand (G>A on the coding strand, the complement: CUL7 is on the minus strand). VCF-style: chr6-43051227-C-T. GRCh37 (hg19) VCF-style: chr6-43018965-C-T.
Other names: c.1070G>A, p.Arg357Gln (NM_001168370.2, NM_001374872.1); c.974G>A, p.Arg325Gln (NM_001374873.1, NM_001374874.1); short protein forms R325Q, R357Q.
Identifiers: ClinVar variation 4706394 (VCV004706394.1).

ClinVar aggregate classification (germline): Uncertain significance (1 of 4 stars; one submission).

gnomAD v4.1: 10 of 1,614,080 alleles (0.00062%); highest among the groups gnomAD compares: Non-Finnish European, 0.00076%; no homozygotes.

Submission:

Labcorp Genetics (formerly Invitae), Labcorp
Classification: Uncertain significance. Last evaluated: 2025-05-11. Review status: criteria provided, single submitter. Criteria: Invitae Variant Classification Sherloc (09022015). Collection method: clinical testing. Allele origin: germline.
Comment: This sequence change replaces arginine, which is basic and polar, with glutamine, which is neutral and polar, at codon 325 of the CUL7 protein (p.Arg325Gln). This variant is present in population databases (no rsID available, gnomAD 0.002%). This variant has not been reported in the literature in individuals affected with CUL7-related conditions. An algorithm developed to predict the effect of missense changes on protein structure and function outputs the following: PolyPhen-2: "Benign". The glutamine amino acid residue is found in multiple mammalian species, which suggests that this missense change does not adversely affect protein function. In summary, the available evidence is currently insufficient to determine the role of this variant in disease. Therefore, it has been classified as a Variant of Uncertain Significance.